The following is an entry in ClinVar:

ClinVar aggregate classification (germline): Uncertain significance (1 of 4 stars; one submission).

Submission:

GeneDx
Classification: Uncertain significance. Last evaluated: 2023-10-22. Review status: criteria provided, single submitter. Criteria: GeneDx Variant Classification Process June 2021. Collection method: clinical testing. Allele origin: germline. Affected: yes.
Comment: Not observed at significant frequency in large population cohorts (gnomAD); In silico analysis supports a deleterious effect on splicing; Has not been previously published as pathogenic or benign to our knowledge

NM_003024.3(ITSN1):c.1953-7T>C

Gene: ITSN1 (intersectin 1; plus strand). Cytogenetic location: 21q22.11.
Variant type: single nucleotide variant.
Coding change: c.1953-7T>C on transcript NM_003024.3 (MANE Select); 7 bases into the intron before coding-DNA position 1953, T replaced by C.
Molecular consequence: intron variant.
Genome position (GRCh38, 1-based): chr21:33,797,372, T>C. VCF-style: chr21-33797372-T-C. GRCh37 (hg19) VCF-style: chr21-35169676-T-C.
Other names: c.1953-7T>C (NM_001331010.2, NM_001001132.2, NM_001331008.2 and 2 more transcripts); c.1842-7T>C (NM_001331012.2).
Identifiers: ClinVar variation 3363341 (VCV003363341.1).
Genomic context (GRCh38, chr21:33,797,372, plus strand): 5'-AAAAGAGGCAACAGTAGTGTTAACTTAGAGTTGCTTTCTTGCTGTAATCAAGCGTGTTTG[T>C]TGGCAGACGAGCTCAGGAAAGGGACAAGCAGTGGCTGGAGCATGTGCAGCAGGAGGACGA-3'